The following is an entry in ClinVar:

NM_005529.7(HSPG2):c.3028C>T (p.Arg1010Cys)

Gene: HSPG2 (heparan sulfate proteoglycan 2; minus strand). Cytogenetic location: 1p36.12.
Variant type: single nucleotide variant.
Coding change: c.3028C>T on transcript NM_005529.7 (MANE Select); coding-DNA position 3028, C replaced by T.
Protein change: p.Arg1010Cys; replaces arginine 1010 with cysteine.
Molecular consequence: missense variant.
Genome position (GRCh38, 1-based): chr1:21,876,018, G>A on the plus strand (C>T on the coding strand, the complement: HSPG2 is on the minus strand). VCF-style: chr1-21876018-G-A. GRCh37 (hg19) VCF-style: chr1-22202511-G-A.
Other names: c.3028C>T (NM_005529.5); c.3031C>T, p.Arg1011Cys (NM_001291860.2); short protein forms R1010C, R1011C.
Identifiers: ClinVar variation 811476 (VCV000811476.11), dbSNP rs377016014, ClinGen allele CA672780.

ClinVar aggregate classification (germline): Uncertain significance. Review status: criteria provided, multiple submitters, no conflicts (2 of 4 stars). 3 submissions from 3 submitters: Uncertain significance (3). Last evaluated 2025-10-06.

Allele frequency attached by ClinVar (database versions not stated): gnomAD 0.00001 and 0.00002; ExAC 0.00003; gnomAD exomes 0.00003; TOPMed 0.00005; ESP Exome Variant Server 0.00008.
gnomAD v4.1: 56 of 1,613,914 alleles (0.0035%); highest among the groups gnomAD compares: Admixed American, 0.012%; no homozygotes.

Submissions (3):

Labcorp Genetics (formerly Invitae), Labcorp
Classification: Uncertain significance. Last evaluated: 2025-10-06. Review status: criteria provided, single submitter. Criteria: Invitae Variant Classification Sherloc (09022015). Collection method: clinical testing. Allele origin: germline.
Comment: This sequence change replaces arginine, which is basic and polar, with cysteine, which is neutral and slightly polar, at codon 1010 of the HSPG2 protein (p.Arg1010Cys). This variant is present in population databases (rs377016014, gnomAD 0.01%). This variant has not been reported in the literature in individuals affected with HSPG2-related conditions. ClinVar contains an entry for this variant (Variation ID: 811476). An algorithm developed to predict the effect of missense changes on protein structure and function (PolyPhen-2) suggests that this variant is likely to be disruptive. In summary, the available evidence is currently insufficient to determine the role of this variant in disease. Therefore, it has been classified as a Variant of Uncertain Significance.

Revvity Omics, Revvity
Classification: Uncertain significance. Last evaluated: 2019-07-10. Review status: criteria provided, single submitter. Criteria: ACMG Guidelines, 2015. Collection method: clinical testing. Allele origin: germline.

ARUP Laboratories, Molecular Genetics and Genomics, ARUP Laboratories
Classification: Uncertain significance. Last evaluated: 2019-06-17. Review status: criteria provided, single submitter. Criteria: ARUP Molecular Germline Variant Investigation Process. Collection method: clinical testing. Allele origin: germline.
Comment: The HSPG2 c.3028C>T; p.Arg1010Cys variant (rs377016014), to our knowledge, is not reported in the medical literature or gene specific databases. This variant is found in the Latino population with an allele frequency of 0.014% (5/35,436 alleles) in the Genome Aggregation Database. The arginine at codon 1010 is moderately conserved, and computational analyses (SIFT, PolyPhen-2) predict that this variant is deleterious. Due to limited information, the clinical significance of the p.Arg1010Cys variant is uncertain at this time.